The following is an entry in ClinVar:

ClinVar aggregate classification (germline): Likely pathogenic (1 of 4 stars; one submission).

Conditions:
Ehlers-Danlos syndrome, classic type, 1 (EDSCL1). Also called: EHLERS-DANLOS SYNDROME, GRAVIS TYPE; EHLERS-DANLOS SYNDROME, SEVERE CLASSIC TYPE; Ehlers-Danlos syndrome, type 1; Ehlers-Danlos Syndrome, Classic Type, COL5A1-Related; EDS I. Identifiers: MedGen C0268335, MONDO:0019567, OMIM 130000.
Osteogenesis imperfecta type I (OI1). Also called: OI, TYPE I; OSTEOGENESIS IMPERFECTA TARDA; OSTEOGENESIS IMPERFECTA WITH BLUE SCLERAE; Osteogenesis imperfecta type 1; Lobstein's Disease; Lobstein disease. Identifiers: Orphanet 216796, Orphanet 666, MedGen C0023931, MONDO:0008146, OMIM 166200. Disease mechanism: loss of function.

Submission:

Labcorp Genetics (formerly Invitae), Labcorp
Classification: Likely pathogenic for Osteogenesis imperfecta type I; Ehlers-Danlos syndrome, classic type, 1. Last evaluated: 2021-07-25. Review status: criteria provided, single submitter. Criteria: Invitae Variant Classification Sherloc (09022015). Collection method: clinical testing. Allele origin: germline.
Comment: In summary, the currently available evidence indicates that the variant is pathogenic, but additional data are needed to prove that conclusively. Therefore, this variant has been classified as Likely Pathogenic. This variant disrupts the triple helix domain of COL1A2. Glycine residues within the Gly-Xaa-Yaa repeats of the triple helix domain are required for the structure and stability of fibrillar collagens (PMID: 7695699, 8218237, 19344236). In COL1A2, variants affecting these glycine residues are significantly enriched in individuals with disease (PMID: 9016532, 17078022) compared to the general population (ExAC). Advanced modeling of protein sequence and biophysical properties (such as structural, functional, and spatial information, amino acid conservation, physicochemical variation, residue mobility, and thermodynamic stability) performed at Invitae indicates that this missense variant is expected to disrupt COL1A2 protein function. This variant has not been reported in the literature in individuals affected with COL1A2-related conditions. This variant is not present in population databases (ExAC no frequency). This sequence change replaces glycine with aspartic acid at codon 598 of the COL1A2 protein (p.Gly598Asp). The glycine residue is highly conserved and there is a moderate physicochemical difference between glycine and aspartic acid.

Literature cited by the submitters: PubMed 7695699; PubMed 8218237; PubMed 19344236; PubMed 9016532; PubMed 17078022.

NM_000089.4(COL1A2):c.1793G>A (p.Gly598Asp)

Gene: COL1A2 (collagen type I alpha 2 chain; plus strand). Cytogenetic location: 7q21.3.
Variant type: single nucleotide variant.
Coding change: c.1793G>A on transcript NM_000089.4 (MANE Select); coding-DNA position 1793, G replaced by A.
Protein change: p.Gly598Asp; replaces glycine 598 with aspartic acid.
Molecular consequence: missense variant.
Genome position (GRCh38, 1-based): chr7:94,416,433, G>A. VCF-style: chr7-94416433-G-A. GRCh37 (hg19) VCF-style: chr7-94045745-G-A.
Other names: short protein forms G598D.
Identifiers: ClinVar variation 1483175 (VCV001483175.8), dbSNP rs72658142, ClinGen allele CA368222616.